The following is an entry in ClinVar:

ClinVar aggregate classification (germline): Uncertain significance. Review status: criteria provided, single submitter (1 of 4 stars). 2 submissions from 2 submitters: Uncertain significance (1). 1 of the submissions does not count toward it. Last evaluated 2022-09-16.

Conditions:
Neuronal ceroid lipofuscinosis 2. Also called: JANSKY-BIELSCHOWSKY DISEASE NEURONAL CEROID LIPOFUSCINOSIS, LATE INFANTILE; TPP1-Related Neuronal Ceroid-Lipofuscinosis. Identifiers: Orphanet 168491, Orphanet 228349, Orphanet 79264, MedGen C1876161, MONDO:0008769, OMIM 204500.

Allele frequency attached by ClinVar (database versions not stated): TOPMed 0.00002.
gnomAD v4.1: 1 of 1,614,156 alleles (0.000062%); highest among the groups gnomAD compares: South Asian, 0.0011%; no homozygotes.

Submissions (2):

Labcorp Genetics (formerly Invitae), Labcorp
Classification: Uncertain significance. Last evaluated: 2022-09-16. Review status: criteria provided, single submitter. Criteria: Invitae Variant Classification Sherloc (09022015). Collection method: clinical testing. Allele origin: germline.
Comment: This sequence change replaces serine, which is neutral and polar, with threonine, which is neutral and polar, at codon 382 of the TPP1 protein (p.Ser382Thr). This variant also falls at the last nucleotide of exon 9, which is part of the consensus splice site for this exon. This variant is not present in population databases (gnomAD no frequency). This variant has not been reported in the literature in individuals affected with TPP1-related conditions. ClinVar contains an entry for this variant (Variation ID: 663364). Algorithms developed to predict the effect of missense changes on protein structure and function (SIFT, PolyPhen-2, Align-GVGD) all suggest that this variant is likely to be disruptive. Variants that disrupt the consensus splice site are a relatively common cause of aberrant splicing (PMID: 17576681, 9536098). In summary, the available evidence is currently insufficient to determine the role of this variant in disease. Therefore, it has been classified as a Variant of Uncertain Significance.

Natera, Inc.
Classification: Uncertain significance for Neuronal ceroid lipofuscinosis 2. Last evaluated: 2021-08-31. Review status: no assertion criteria provided. Collection method: clinical testing. Allele origin: germline. Not counted in ClinVar's aggregate classification.

Literature cited by the submitters: PubMed 17576681 (cited by Labcorp Genetics (formerly Invitae), Labcorp); PubMed 9536098 (cited by Labcorp Genetics (formerly Invitae), Labcorp).

NM_000391.4(TPP1):c.1145G>C (p.Ser382Thr)

Gene: TPP1 (tripeptidyl peptidase 1; minus strand). Cytogenetic location: 11p15.4.
Variant type: single nucleotide variant.
Coding change: c.1145G>C on transcript NM_000391.4 (MANE Select); coding-DNA position 1145, G replaced by C.
Protein change: p.Ser382Thr; replaces serine 382 with threonine.
Molecular consequence: missense variant.
Genome position (GRCh38, 1-based): chr11:6,616,005, C>G on the plus strand (G>C on the coding strand, the complement: TPP1 is on the minus strand). VCF-style: chr11-6616005-C-G. GRCh37 (hg19) VCF-style: chr11-6637236-C-G.
Other names: short protein forms S382T.
Identifiers: ClinVar variation 663364 (VCV000663364.9), dbSNP rs761448855, ClinGen allele CA379473635.